The following is an entry in ClinVar:

ClinVar aggregate classification (germline): Pathogenic (1 of 4 stars; one submission).

Conditions:
Bardet-Biedl syndrome (BBS). Identifiers: Orphanet 110, MedGen C0752166, MONDO:0015229.

Submission:

Women's Health and Genetics/Laboratory Corporation of America, LabCorp
Classification: Pathogenic for Bardet-Biedl syndrome. Last evaluated: 2025-10-06. Review status: criteria provided, single submitter. Criteria: LabCorp Variant Classification Summary - May 2015. Collection method: clinical testing. Allele origin: germline.
Comment: Variant summary: BBS12 c.1532delA (p.Gln511ArgfsX20) results in a premature termination codon, predicted to cause a truncation of the encoded protein, and downstream pathogenic variants are associated with disease (example, c.1626del p.Glu543Asnfs*16 and c.1616G>A p.Gly539Asp in ClinVar). The variant was absent in 251434 control chromosomes. To our knowledge, no occurrence of c.1532delA in individuals affected with BBS12-related conditions and no experimental evidence demonstrating its impact on protein function have been reported. No submitters have cited clinical-significance assessments for this variant to ClinVar. Based on the evidence outlined above, the variant was classified as pathogenic.

NM_152618.3(BBS12):c.1532del (p.Gln511fs)

Gene: BBS12 (Bardet-Biedl syndrome 12; plus strand). Cytogenetic location: 4q27.
Variant type: Deletion.
Coding change: c.1532del on transcript NM_152618.3 (MANE Select); coding-DNA position 1532, one base deleted (A; older notation c.1532delA).
Protein change: p.Gln511fs; shifts the reading frame from glutamine 511.
Molecular consequence: frameshift variant.
Genome position (GRCh38, 1-based): chr4:122,743,424, A deleted. VCF-style (leftmost placement, unchanged base first): chr4-122743423-CA-C. GRCh37 (hg19) VCF-style: chr4-123664578-CA-C.
Other names: c.1532delA (NM_152618.3); c.1532del, p.Gln511fs (NM_001178007.2); short protein forms Q511fs.
Identifiers: ClinVar variation 4687552 (VCV004687552.1).
Genomic context (GRCh38, chr4:122,743,423, plus strand): 5'-TTATTAAAAACAGAAGGAATTAATTTGGTTACGGCCGTGCTCACTAACCCAGTTACTGCA[CA>C]GATGCAAATCAAAGAAGATAGGTTCTGGACATGTGCCTATCGTTTGTATTATGCTCTAAA-3'